The following is an entry in ClinVar:

ClinVar aggregate classification (germline): Uncertain significance. Review status: criteria provided, multiple submitters, no conflicts (2 of 4 stars). 2 submissions from 2 submitters: Uncertain significance (2). Last evaluated 2025-10-31.

Conditions:
IFT74-related disorder. Also called: IFT74-related condition; IFT74-Related Disorders.

Allele frequency attached by ClinVar (database versions not stated): TOPMed 0.00001; gnomAD exomes 0.00002.
gnomAD v4.1: 10 of 1,599,772 alleles (0.00063%); highest among the groups gnomAD compares: Admixed American, 0.0085%; no homozygotes.

Submissions (2):

PreventionGenetics, part of Exact Sciences
Classification: Uncertain significance for IFT74-related condition. Last evaluated: 2025-10-31. Review status: criteria provided, single submitter. Criteria: ACMG Guidelines, 2015. Collection method: clinical testing. Allele origin: germline.
Comment: The IFT74 c.1700G>T variant is predicted to result in the amino acid substitution p.Ser567Ile. To our knowledge, this variant has not been reported in the literature. This variant is reported in 0.012% of alleles in individuals of Latino descent in gnomAD. At this time, the clinical significance of this variant is uncertain due to the absence of conclusive functional and genetic evidence.

Labcorp Genetics (formerly Invitae), Labcorp
Classification: Uncertain significance. Last evaluated: 2022-08-16. Review status: criteria provided, single submitter. Criteria: Invitae Variant Classification Sherloc (09022015). Collection method: clinical testing. Allele origin: germline.
Comment: This sequence change replaces serine, which is neutral and polar, with isoleucine, which is neutral and non-polar, at codon 567 of the IFT74 protein (p.Ser567Ile). This variant is present in population databases (no rsID available, gnomAD 0.01%). This variant has not been reported in the literature in individuals affected with IFT74-related conditions. ClinVar contains an entry for this variant (Variation ID: 1486475). Algorithms developed to predict the effect of missense changes on protein structure and function are either unavailable or do not agree on the potential impact of this missense change (SIFT: "Deleterious"; PolyPhen-2: "Benign"; Align-GVGD: "Class C0"). In summary, the available evidence is currently insufficient to determine the role of this variant in disease. Therefore, it has been classified as a Variant of Uncertain Significance.

NM_025103.4(IFT74):c.1700G>T (p.Ser567Ile)

Gene: IFT74 (intraflagellar transport 74; plus strand). Cytogenetic location: 9p21.2.
Variant type: single nucleotide variant.
Coding change: c.1700G>T on transcript NM_025103.4 (MANE Select); coding-DNA position 1700, G replaced by T.
Protein change: p.Ser567Ile; replaces serine 567 with isoleucine.
Molecular consequence: missense variant. On other transcripts: 3 prime UTR variant (1).
Genome position (GRCh38, 1-based): chr9:27,062,633, G>T. VCF-style: chr9-27062633-G-T. GRCh37 (hg19) VCF-style: chr9-27062631-G-T.
Other names: c.1700G>T (NM_025103.2); c.1700G>T, p.Ser567Ile (NM_001099222.3, NM_001099223.3); c.*636G>T (NM_001349928.2); short protein forms S567I.
Identifiers: ClinVar variation 1486475 (VCV001486475.7), dbSNP rs1482975341, ClinGen allele CA373109947.
Genomic context (GRCh38, chr9:27,062,633, plus strand): 5'-TAGATTTTTATTGACATTGTTTTCCCCCTTAACTCATGTAATTAGTCATAGCAACCAAGA[G>T]TCAAGAGAGTGATTACCAGCCAATTAAGAAAAATGTGACCAAGCAGATTGCAGAGTACAA-3'
Protein context (NP_079379.2, residues 557-577): FAMKEFIATK[Ser567Ile]QESDYQPIKK